The following is an entry in ClinVar:

NM_020987.5(ANK3):c.1259T>C (p.Leu420Pro)

Gene: ANK3 (ankyrin 3; minus strand). Cytogenetic location: 10q21.2.
Variant type: single nucleotide variant.
Coding change: c.1259T>C on transcript NM_020987.5 (MANE Select); coding-DNA position 1259, T replaced by C.
Protein change: p.Leu420Pro; replaces leucine 420 with proline.
Molecular consequence: missense variant.
Genome position (GRCh38, 1-based): chr10:60,205,826, A>G on the plus strand (T>C on the coding strand, the complement: ANK3 is on the minus strand). VCF-style: chr10-60205826-A-G. GRCh37 (hg19) VCF-style: chr10-61965584-A-G.
Other names: c.1241T>C, p.Leu414Pro (NM_001204403.2); c.1208T>C, p.Leu403Pro (NM_001204404.2); c.1259T>C, p.Leu420Pro (NM_001320874.2); short protein forms L403P, L414P, L420P.
Identifiers: ClinVar variation 3898918 (VCV003898918.1).
Genomic context (GRCh38, chr10:60,205,826, plus strand): 5'-CTCCCAGAAATCTTAACTCTTCTCACCTCGGTTACAGCTTGGATGGATGCACCGTGTTTC[A>G]GAAGGAGTTCCATTACTTTAATTCGATTCTTCTTGCAGGCAATATGAAGAGGGGTAAAGC-3'
Protein context (NP_066267.2, residues 410-430): KNRIKVMELL[Leu420Pro]KHGASIQAVT

ClinVar aggregate classification (germline): Uncertain significance (1 of 4 stars; one submission).

Submission:

GeneDx
Classification: Uncertain significance. Last evaluated: 2024-11-06. Review status: criteria provided, single submitter. Criteria: GeneDx Variant Classification Process June 2021. Collection method: clinical testing. Allele origin: germline. Affected: yes.
Comment: Not observed at significant frequency in large population cohorts (gnomAD); In silico analysis supports that this missense variant has a deleterious effect on protein structure/function; Has not been previously published as pathogenic or benign to our knowledge